The following is an entry in ClinVar:

NM_018474.6(KIZ):c.1144A>G (p.Ile382Val)

Gene: KIZ (kizuna centrosomal protein; plus strand). Cytogenetic location: 20p11.23.
Variant type: single nucleotide variant.
Coding change: c.1144A>G on transcript NM_018474.6 (MANE Select); coding-DNA position 1144, A replaced by G.
Protein change: p.Ile382Val; replaces isoleucine 382 with valine.
Molecular consequence: missense variant.
Genome position (GRCh38, 1-based): chr20:21,162,951, A>G. VCF-style: chr20-21162951-A-G. GRCh37 (hg19) VCF-style: chr20-21143592-A-G.
Other names: c.835A>G, p.Ile279Val (NM_001163022.3, NM_001352435.2); c.745A>G, p.Ile249Val (NM_001163023.3); c.997A>G, p.Ile333Val (NM_001276389.2); c.1144A>G, p.Ile382Val (NM_001352434.2); c.802A>G, p.Ile268Val (NM_001352436.2); short protein forms I279V, I249V, I382V, I268V, I333V.
Identifiers: ClinVar variation 1908590 (VCV001908590.2), dbSNP rs1284946192, ClinGen allele CA408493533.
Genomic context (GRCh38, chr20:21,162,951, plus strand): 5'-AGAAAAATGCAGGAAGAGGAGGAGGAAAGTTGGAGCACCAGCAGTGACCTTACCATTTCA[A>G]TAAGTGAAGATGATCTGATTTTAGAGAGCCCAGAACCACAGCCAAATCCAGGTGGCAAGA-3'
Protein context (NP_060944.3, residues 372-392): WSTSSDLTIS[Ile382Val]SEDDLILESP

ClinVar aggregate classification (germline): Uncertain significance (1 of 4 stars; one submission).

Allele frequency attached by ClinVar (database versions not stated): gnomAD 0.00001; gnomAD exomes 0.00001; TOPMed 0.00001.
gnomAD v4.1: 10 of 1,613,726 alleles (0.00062%); highest among the groups gnomAD compares: Non-Finnish European, 0.00085%; no homozygotes.

Submission:

Labcorp Genetics (formerly Invitae), Labcorp
Classification: Uncertain significance. Last evaluated: 2022-08-21. Review status: criteria provided, single submitter. Criteria: Invitae Variant Classification Sherloc (09022015). Collection method: clinical testing. Allele origin: germline.
Comment: This sequence change replaces isoleucine, which is neutral and non-polar, with valine, which is neutral and non-polar, at codon 382 of the KIZ protein (p.Ile382Val). This variant is not present in population databases (gnomAD no frequency). This variant has not been reported in the literature in individuals affected with KIZ-related conditions. Algorithms developed to predict the effect of sequence changes on RNA splicing suggest that this variant may create or strengthen a splice site. In summary, the available evidence is currently insufficient to determine the role of this variant in disease. Therefore, it has been classified as a Variant of Uncertain Significance.